The following is an entry in ClinVar:

ClinVar aggregate classification (germline): Uncertain significance (1 of 4 stars; one submission).

Conditions:
Hermansky-Pudlak syndrome 2 (HPS2). Also called: Platelet defects and oculocutaneous albinism. Identifiers: Orphanet 183678, Orphanet 79430, MedGen C1842362, MONDO:0011997, OMIM 608233.

Submission:

Labcorp Genetics (formerly Invitae), Labcorp
Classification: Uncertain significance for Hermansky-Pudlak syndrome 2. Last evaluated: 2021-03-09. Review status: criteria provided, single submitter. Criteria: Invitae Variant Classification Sherloc (09022015). Collection method: clinical testing. Allele origin: germline.
Comment: In summary, the available evidence is currently insufficient to determine the role of this variant in disease. Therefore, it has been classified as a Variant of Uncertain Significance. Algorithms developed to predict the effect of missense changes on protein structure and function (SIFT, PolyPhen-2, Align-GVGD) all suggest that this variant is likely to be tolerated, but these predictions have not been confirmed by published functional studies and their clinical significance is uncertain. This variant has not been reported in the literature in individuals with AP3B1-related conditions. This variant is not present in population databases (ExAC no frequency). This sequence change replaces alanine with serine at codon 332 of the AP3B1 protein (p.Ala332Ser). The alanine residue is weakly conserved and there is a moderate physicochemical difference between alanine and serine.

NM_003664.5(AP3B1):c.994G>T (p.Ala332Ser)

Gene: AP3B1 (adaptor related protein complex 3 subunit beta 1; minus strand). Cytogenetic location: 5q14.1.
Variant type: single nucleotide variant.
Coding change: c.994G>T on transcript NM_003664.5 (MANE Select); coding-DNA position 994, G replaced by T.
Protein change: p.Ala332Ser; replaces alanine 332 with serine.
Molecular consequence: missense variant.
Genome position (GRCh38, 1-based): chr5:78,177,385, C>A on the plus strand (G>T on the coding strand, the complement: AP3B1 is on the minus strand). VCF-style: chr5-78177385-C-A. GRCh37 (hg19) VCF-style: chr5-77473209-C-A.
Other names: c.847G>T, p.Ala283Ser (NM_001271769.2); short protein forms A283S, A332S.
Identifiers: ClinVar variation 1377681 (VCV001377681.8), dbSNP rs2112405528, ClinGen allele CA360189760.